The following is an entry in ClinVar:

ClinVar aggregate classification (germline): Uncertain significance (1 of 4 stars; one submission).

Submission:

Labcorp Genetics (formerly Invitae), Labcorp
Classification: Uncertain significance. Last evaluated: 2024-11-10. Review status: criteria provided, single submitter. Criteria: Invitae Variant Classification Sherloc (09022015). Collection method: clinical testing. Allele origin: germline.
Comment: This sequence change replaces threonine, which is neutral and polar, with lysine, which is basic and polar, at codon 362 of the CRAT protein (p.Thr362Lys). This variant is not present in population databases (gnomAD no frequency). This variant has not been reported in the literature in individuals affected with CRAT-related conditions. An algorithm developed to predict the effect of missense changes on protein structure and function (PolyPhen-2) suggests that this variant is likely to be tolerated. In summary, the available evidence is currently insufficient to determine the role of this variant in disease. Therefore, it has been classified as a Variant of Uncertain Significance.

NM_000755.5(CRAT):c.1085C>A (p.Thr362Lys)

Gene: CRAT (carnitine O-acetyltransferase; minus strand). Cytogenetic location: 9q34.11.
Variant type: single nucleotide variant.
Coding change: c.1085C>A on transcript NM_000755.5 (MANE Select); coding-DNA position 1085, C replaced by A.
Protein change: p.Thr362Lys; replaces threonine 362 with lysine.
Molecular consequence: missense variant.
Genome position (GRCh38, 1-based): chr9:129,099,866, G>T on the plus strand (C>A on the coding strand, the complement: CRAT is on the minus strand). VCF-style: chr9-129099866-G-T. GRCh37 (hg19) VCF-style: chr9-131862145-G-T.
Other names: c.1022C>A, p.Thr341Lys (NM_001257363.3, NM_001346548.2, NM_004003.4); c.1088C>A, p.Thr363Lys (NM_001346546.2); c.1085C>A, p.Thr362Lys (NM_001346547.2); c.965C>A, p.Thr322Lys (NM_001346549.2); short protein forms T322K, T341K, T363K, T362K.
Identifiers: ClinVar variation 3724917 (VCV003724917.2).